The following is an entry in ClinVar:

NM_001127208.3(TET2):c.5007G>C (p.Lys1669Asn)

Genes: TET2 (tet methylcytosine dioxygenase 2; plus strand), TET2-AS1 (TET2 antisense RNA 1; minus strand). Cytogenetic location: 4q24.
Variant type: single nucleotide variant.
Coding change: c.5007G>C on transcript NM_001127208.3 (MANE Select); coding-DNA position 5007, G replaced by C.
Protein change: p.Lys1669Asn; replaces lysine 1669 with asparagine.
Molecular consequence: missense variant.
Genome position (GRCh38, 1-based): chr4:105,275,517, G>C. VCF-style: chr4-105275517-G-C. GRCh37 (hg19) VCF-style: chr4-106196674-G-C.
Other names: short protein forms K1669N.
Identifiers: ClinVar variation 2000297 (VCV002000297.4), dbSNP rs1731167782, ClinGen allele CA357814088.
Genomic context (GRCh38, chr4:105,275,517, plus strand): 5'-TTCTCCCCAGTCTCAGCCGATGGATCTGTATAGGTATCCAAGCCAAGACCCTCTGTCTAA[G>C]CTCAGTCTACCACCCATCCATACACTTTACCAGCCAAGGTTTGGAAATAGCCAGAGTTTT-3'
Protein context (NP_001120680.1, residues 1659-1679): YRYPSQDPLS[Lys1669Asn]LSLPPIHTLY

ClinVar aggregate classification (germline): Uncertain significance (1 of 4 stars; one submission).

Submission:

Labcorp Genetics (formerly Invitae), Labcorp
Classification: Uncertain significance. Last evaluated: 2022-05-29. Review status: criteria provided, single submitter. Criteria: Invitae Variant Classification Sherloc (09022015). Collection method: clinical testing. Allele origin: germline.
Comment: This sequence change replaces lysine, which is basic and polar, with asparagine, which is neutral and polar, at codon 1669 of the TET2 protein (p.Lys1669Asn). This variant is not present in population databases (gnomAD no frequency). This variant has not been reported in the literature in individuals affected with TET2-related conditions. Algorithms developed to predict the effect of missense changes on protein structure and function output the following: SIFT: "Tolerated"; PolyPhen-2: "Possibly Damaging"; Align-GVGD: "Class C0". The asparagine amino acid residue is found in multiple mammalian species, which suggests that this missense change does not adversely affect protein function. In summary, the available evidence is currently insufficient to determine the role of this variant in disease. Therefore, it has been classified as a Variant of Uncertain Significance.